The following is an entry in ClinVar:

ClinVar aggregate classification (germline): Uncertain significance. Review status: criteria provided, multiple submitters, no conflicts (2 of 4 stars). 2 submissions from 2 submitters: Uncertain significance (2). Last evaluated 2025-08-04.

Allele frequency attached by ClinVar (database versions not stated): TOPMed 0.00002; gnomAD 0.00003.
gnomAD v4.1: 31 of 1,614,020 alleles (0.0019%); highest among the groups gnomAD compares: African/African-American, 0.004%; no homozygotes.

Submissions (2):

Ambry Genetics
Classification: Uncertain significance. Last evaluated: 2025-08-04. Review status: criteria provided, single submitter. Criteria: Ambry Variant Classification Scheme 2023. Collection method: clinical testing. Allele origin: germline.

Labcorp Genetics (formerly Invitae), Labcorp
Classification: Uncertain significance. Last evaluated: 2025-05-04. Review status: criteria provided, single submitter. Criteria: Invitae Variant Classification Sherloc (09022015). Collection method: clinical testing. Allele origin: germline.
Comment: This sequence change replaces valine, which is neutral and non-polar, with isoleucine, which is neutral and non-polar, at codon 414 of the ZHX3 protein (p.Val414Ile). This variant is present in population databases (rs763088241, gnomAD 0.003%). This variant has not been reported in the literature in individuals affected with ZHX3-related conditions. ClinVar contains an entry for this variant (Variation ID: 2594727). An algorithm developed to predict the effect of missense changes on protein structure and function (PolyPhen-2) suggests that this variant is likely to be tolerated. In summary, the available evidence is currently insufficient to determine the role of this variant in disease. Therefore, it has been classified as a Variant of Uncertain Significance.

NM_001384317.1(ZHX3):c.1240G>A (p.Val414Ile)

Gene: ZHX3 (zinc fingers and homeoboxes 3; minus strand). Cytogenetic location: 20q12.
Variant type: single nucleotide variant.
Coding change: c.1240G>A on transcript NM_001384317.1 (MANE Select); coding-DNA position 1240, G replaced by A.
Protein change: p.Val414Ile; replaces valine 414 with isoleucine.
Molecular consequence: missense variant.
Genome position (GRCh38, 1-based): chr20:41,203,677, C>T on the plus strand (G>A on the coding strand, the complement: ZHX3 is on the minus strand). VCF-style: chr20-41203677-C-T. GRCh37 (hg19) VCF-style: chr20-39832317-C-T.
Other names: c.1240G>A, p.Val414Ile (NM_001384315.1, NM_001384316.1, NM_001384318.1 and 8 more transcripts); short protein forms V414I.
Identifiers: ClinVar variation 2594727 (VCV002594727.4), dbSNP rs763088241, ClinGen allele CA9859988.